The following is an entry in ClinVar:

NM_005263.5(GFI1):c.644C>G (p.Thr215Arg)

Gene: GFI1 (growth factor independent 1 transcriptional repressor; minus strand). Cytogenetic location: 1p22.1.
Variant type: single nucleotide variant.
Coding change: c.644C>G on transcript NM_005263.5 (MANE Select); coding-DNA position 644, C replaced by G.
Protein change: p.Thr215Arg; replaces threonine 215 with arginine.
Molecular consequence: missense variant.
Genome position (GRCh38, 1-based): chr1:92,480,743, G>C on the plus strand (C>G on the coding strand, the complement: GFI1 is on the minus strand). VCF-style: chr1-92480743-G-C. GRCh37 (hg19) VCF-style: chr1-92946300-G-C.
Other names: c.644C>G, p.Thr215Arg (NM_001127215.3, NM_001127216.3); short protein forms T215R.
Identifiers: ClinVar variation 4824853 (VCV004824853.1).

ClinVar aggregate classification (germline): Uncertain significance (1 of 4 stars; one submission).

Submission:

Ambry Genetics
Classification: Uncertain significance. Last evaluated: 2026-02-16. Review status: criteria provided, single submitter. Criteria: Ambry Variant Classification Scheme 2023. Collection method: clinical testing. Allele origin: germline.
Comment: The p.T215R variant (also known as c.644C>G), located in coding exon 3 of the GFI1 gene, results from a C to G substitution at nucleotide position 644. The threonine at codon 215 is replaced by arginine, an amino acid with similar properties. This amino acid position is conserved. In addition, this alteration is predicted to be tolerated by in silico analysis. Based on the available evidence, the clinical significance of this variant remains unclear.